The following is an entry in ClinVar:

NM_004006.3(DMD):c.5455_5459dup (p.Asn1820fs)

Gene: DMD (dystrophin; minus strand). Cytogenetic location: Xp21.1.
Variant type: Duplication.
Coding change: c.5455_5459dup on transcript NM_004006.3 (MANE Select); coding-DNA positions 5455 to 5459, 5 bases duplicated (GACAA; older notation c.5455_5459dupGACAA).
Protein change: p.Asn1820fs; shifts the reading frame from asparagine 1820.
Molecular consequence: frameshift variant.
Genome position (GRCh38, 1-based): chrX:32,346,070-32,346,074, TTGTC duplicated on the plus strand (GACAA on the coding strand, the reverse complement: DMD is on the minus strand); duplicating any 5 consecutive bases within chrX:32,346,070-32,346,076 gives the same sequence; the c. name uses the placement nearest the transcript's 3' end. VCF-style (leftmost placement, unchanged base first): chrX-32346069-A-ATTGTC. GRCh37 (hg19) VCF-style: chrX-32364186-A-ATTGTC.
Other names: c.5431_5435dup, p.Asn1812fs (NM_000109.4); c.5443_5447dup, p.Asn1816fs (NM_004009.3); c.5086_5090dup, p.Asn1697fs (NM_004010.3); c.1432_1436dup, p.Asn479fs (NM_004011.4); c.1423_1427dup, p.Asn476fs (NM_004012.4); c.5455_5459dupGACAA (NM_004006.2); short protein forms N1697fs, N1816fs, N1820fs, N479fs, N1812fs, N476fs.
Identifiers: ClinVar variation 578631 (VCV000578631.11), dbSNP rs1569559110, ClinGen allele CA891843671.

ClinVar aggregate classification (germline): Pathogenic. Review status: criteria provided, multiple submitters, no conflicts (2 of 4 stars). 2 submissions from 2 submitters: Pathogenic (2). Last evaluated 2018-01-29.

Conditions:
Duchenne muscular dystrophy (DMD). Also called: MUSCULAR DYSTROPHY, PSEUDOHYPERTROPHIC PROGRESSIVE, DUCHENNE TYPE; Duchenne Muscular Dystrophy (DMD). Identifiers: Orphanet 98896, MedGen C0013264, MONDO:0010679, OMIM 310200.

Submissions (2):

Labcorp Genetics (formerly Invitae), Labcorp
Classification: Pathogenic for Duchenne muscular dystrophy. Last evaluated: 2018-01-29. Review status: criteria provided, single submitter. Criteria: Invitae Variant Classification Sherloc (09022015). Collection method: clinical testing. Allele origin: germline.
Comment: This sequence change creates a premature translational stop signal (p.Asn1820Lysfs*7) in the DMD gene. It is expected to result in an absent or disrupted protein product. This variant is not present in population databases (ExAC no frequency). This variant has not been reported in the literature in individuals with DMD-related disease. Loss-of-function variants in DMD are known to be pathogenic (PMID: 16770791, 25007885). For these reasons, this variant has been classified as Pathogenic.

Eurofins Ntd Llc (ga)
Classification: Pathogenic. Last evaluated: 2017-10-19. Review status: criteria provided, single submitter. Criteria: EGL Classification Definitions 2015. Collection method: clinical testing. Allele origin: germline. Observed: 1 variant allele, 1 hemizygote.

Literature cited by the submitters: PubMed 16770791 (cited by Labcorp Genetics (formerly Invitae), Labcorp); PubMed 25007885 (cited by Labcorp Genetics (formerly Invitae), Labcorp).